The following is an entry in ClinVar:

ClinVar aggregate classification (germline): Likely pathogenic (1 of 4 stars; one submission).

Submission:

GeneDx
Classification: Likely pathogenic. Last evaluated: 2022-07-12. Review status: criteria provided, single submitter. Criteria: GeneDx Variant Classification Process June 2021. Collection method: clinical testing. Allele origin: germline. Affected: yes.
Comment: Frameshift variant predicted to result in protein extension, as the last 34 amino acids are replaced with 94 different amino acids, and other loss-of-function variants have been reported downstream in HGMD; Not observed at significant frequency in large population cohorts (gnomAD); This variant is associated with the following publications: (PMID: 31268554)

NM_000070.3(CAPN3):c.2362del (p.Arg788fs)

Gene: CAPN3 (calpain 3; plus strand). Cytogenetic location: 15q15.1.
Variant type: Deletion.
Coding change: c.2362del on transcript NM_000070.3 (MANE Select); coding-DNA position 2362, one base deleted (A; older notation c.2362delA).
Protein change: p.Arg788fs; shifts the reading frame from arginine 788.
Molecular consequence: frameshift variant.
Genome position (GRCh38, 1-based): chr15:42,410,982, A deleted. VCF-style (leftmost placement, unchanged base first): chr15-42410981-TA-T. GRCh37 (hg19) VCF-style: chr15-42703179-TA-T.
Other names: c.2344del, p.Arg782fs (NM_024344.2); c.2086del, p.Arg696fs (NM_173087.2); c.826del, p.Arg276fs (NM_173088.2); c.367del, p.Arg123fs (NM_173089.2, NM_173090.2); c.*1460delA (NM_212464.2); c.*2037delA (NM_212467.2); short protein forms R788fs, R276fs, R696fs, R123fs, R782fs.
Identifiers: ClinVar variation 2136133 (VCV002136133.1), dbSNP rs2548294565, ClinGen allele CA2580089479.